The following is an entry in ClinVar:

ClinVar aggregate classification (germline): Uncertain significance (1 of 4 stars; one submission).

Conditions:
Dilated cardiomyopathy 1W (CMD1W). Identifiers: Orphanet 154, MedGen C1969639, MONDO:0012667, OMIM 611407.

Allele frequency attached by ClinVar (database versions not stated): gnomAD exomes below 0.00001.
gnomAD v4.1: 2 of 1,612,888 alleles (0.00012%); highest among the groups gnomAD compares: Non-Finnish European, 0.00017%; no homozygotes.

Submission:

Labcorp Genetics (formerly Invitae), Labcorp
Classification: Uncertain significance for Dilated cardiomyopathy 1W. Last evaluated: 2024-06-11. Review status: criteria provided, single submitter. Criteria: Invitae Variant Classification Sherloc (09022015). Collection method: clinical testing. Allele origin: germline.
Comment: This sequence change replaces histidine, which is basic and polar, with proline, which is neutral and non-polar, at codon 5 of the VCL protein (p.His5Pro). This variant is not present in population databases (gnomAD no frequency). This variant has not been reported in the literature in individuals affected with VCL-related conditions. ClinVar contains an entry for this variant (Variation ID: 1053516). An algorithm developed to predict the effect of missense changes on protein structure and function (PolyPhen-2) suggests that this variant is likely to be disruptive. In summary, the available evidence is currently insufficient to determine the role of this variant in disease. Therefore, it has been classified as a Variant of Uncertain Significance.

NM_014000.3(VCL):c.14A>C (p.His5Pro)

Genes: VCL (vinculin; plus strand), LOC130004109 (ATAC-STARR-seq lymphoblastoid active region 3587; plus strand). Cytogenetic location: 10q22.2.
Variant type: single nucleotide variant.
Coding change: c.14A>C on transcript NM_014000.3 (MANE Select); coding-DNA position 14, A replaced by C.
Protein change: p.His5Pro; replaces histidine 5 with proline.
Molecular consequence: missense variant.
Genome position (GRCh38, 1-based): chr10:73,998,221, A>C. VCF-style: chr10-73998221-A-C. GRCh37 (hg19) VCF-style: chr10-75757979-A-C.
Other names: c.14A>C, p.His5Pro (NM_003373.4); short protein forms H5P.
Identifiers: ClinVar variation 1053516 (VCV001053516.7), dbSNP rs2136218216, ClinGen allele CA377254547.